The following is an entry in ClinVar:

ClinVar aggregate classification (germline): Uncertain significance (1 of 4 stars; one submission).

Conditions:
Hereditary sensory neuropathy-deafness-dementia syndrome. Also called: Hereditary sensory neuropathy type IE; NEUROPATHY, HEREDITARY SENSORY, WITH HEARING LOSS AND DEMENTIA; Hereditary Sensory and Autonomic Neuropathy Type 1E (HSAN1E); HSN IE. Identifiers: Orphanet 456318, MedGen C3279885, MONDO:0013584, OMIM 614116.

Submission:

Labcorp Genetics (formerly Invitae), Labcorp
Classification: Uncertain significance for Hereditary sensory neuropathy-deafness-dementia syndrome. Last evaluated: 2024-08-13. Review status: criteria provided, single submitter. Criteria: Invitae Variant Classification Sherloc (09022015). Collection method: clinical testing. Allele origin: germline.
Comment: This sequence change replaces glycine, which is neutral and non-polar, with valine, which is neutral and non-polar, at codon 77 of the DNMT1 protein (p.Gly77Val). This variant is present in population databases (no rsID available, gnomAD 0.01%). This variant has not been reported in the literature in individuals affected with DNMT1-related conditions. Invitae Evidence Modeling of protein sequence and biophysical properties (such as structural, functional, and spatial information, amino acid conservation, physicochemical variation, residue mobility, and thermodynamic stability) indicates that this missense variant is not expected to disrupt DNMT1 protein function with a negative predictive value of 80%. In summary, the available evidence is currently insufficient to determine the role of this variant in disease. Therefore, it has been classified as a Variant of Uncertain Significance.

NM_001130823.3(DNMT1):c.230G>T (p.Gly77Val)

Gene: DNMT1 (DNA methyltransferase 1; minus strand). Cytogenetic location: 19p13.2.
Variant type: single nucleotide variant.
Coding change: c.230G>T on transcript NM_001130823.3 (MANE Select); coding-DNA position 230, G replaced by T.
Protein change: p.Gly77Val; replaces glycine 77 with valine.
Molecular consequence: missense variant. On other transcripts: intron variant (1).
Genome position (GRCh38, 1-based): chr19:10,180,565, C>A on the plus strand (G>T on the coding strand, the complement: DNMT1 is on the minus strand). VCF-style: chr19-10180565-C-A. GRCh37 (hg19) VCF-style: chr19-10291241-C-A.
Other names: c.230G>T, p.Gly77Val (NM_001318730.2, NM_001379.4); c.-98-36G>T (NM_001318731.2); short protein forms G77V.
Identifiers: ClinVar variation 3673645 (VCV003673645.2).
Genomic context (GRCh38, chr19:10,180,565, plus strand): 5'-TGAGCACCGTTCTCCAAGGACAAATCTTTATTTAAAAGGGATTTGACTTTAGCCAGGTAG[C>A]CCTCCTACAGCAGGAAAGGATAATTTAAGTAGCAGTGAATGTAAACAAGTGTCAGAGAAC-3'
Protein context (NP_001124295.1, residues 67-87): KLRKEELSEE[Gly77Val]YLAKVKSLLN